The following is an entry in ClinVar:

ClinVar aggregate classification (germline): Likely pathogenic (1 of 4 stars; one submission).

Conditions:
COL4A5-related disorder. Also called: COL4A5-related condition.

Submission:

PreventionGenetics, part of Exact Sciences
Classification: Likely pathogenic for COL4A5-related condition. Last evaluated: 2025-09-20. Review status: criteria provided, single submitter. Criteria: ACMG Guidelines, 2015. Collection method: clinical testing. Allele origin: germline.
Comment: The COL4A5 c.2283_2284dupAC variant is predicted to result in a frameshift and premature protein termination (p.Pro762Hisfs*31). To our knowledge, this variant has not been reported in the literature or in a large population database (gnomAD), indicating this variant is rare. Frameshift variants in COL4A5 are expected to be pathogenic. This variant is interpreted as likely pathogenic.

NM_033380.3(COL4A5):c.2283_2284dup (p.Pro762fs)

Gene: COL4A5 (collagen type IV alpha 5 chain; plus strand). Cytogenetic location: Xq22.3.
Variant type: Duplication.
Coding change: c.2283_2284dup on transcript NM_033380.3 (MANE Select); coding-DNA positions 2283 to 2284, 2 bases duplicated (AC; older notation c.2283_2284dupAC).
Protein change: p.Pro762fs; shifts the reading frame from proline 762.
Molecular consequence: frameshift variant.
Genome position (GRCh38, 1-based): chrX:108,606,780-108,606,781, AC duplicated; duplicating any 2 consecutive bases within chrX:108,606,779-108,606,781 gives the same sequence; the c. name uses the placement nearest the transcript's 3' end. VCF-style (leftmost placement, unchanged base first): chrX-108606778-C-CCA. GRCh37 (hg19) VCF-style: chrX-107850008-C-CCA.
Other names: c.2283_2284dup, p.Pro762fs (NM_000495.5); short protein forms P762fs.
Identifiers: ClinVar variation 4994982 (VCV004994982.1).